The following is an entry in ClinVar:

NM_153717.3(EVC):c.999_1000insAACATTC (p.Cys334fs)

Gene: EVC (EvC ciliary complex subunit 1; plus strand). Cytogenetic location: 4p16.2.
Variant type: Insertion.
Coding change: c.999_1000insAACATTC on transcript NM_153717.3 (MANE Select); coding-DNA positions 999 to 1000, AACATTC inserted.
Protein change: p.Cys334fs; shifts the reading frame from cysteine 334.
Molecular consequence: frameshift variant.
Genome position: GRCh38 VCF-style: chr4-5748207-G-GAACATTC. GRCh37 (hg19) VCF-style: chr4-5749934-G-GAACATTC.
Other names: c.999_1000insAACATTC, p.Cys334fs (NM_001306090.2, NM_001306092.2); short protein forms C334fs.
Identifiers: ClinVar variation 1724683 (VCV001724683.2), dbSNP rs2475161920, ClinGen allele CA2580070803.

ClinVar aggregate classification (germline): Likely pathogenic (1 of 4 stars; one submission).

Conditions:
Ellis-van Creveld syndrome (EVC). Also called: EVC-Related Ellis-van Creveld Syndrome; EVC2-Related Ellis-van Creveld Syndrome; MESOECTODERMAL DYSPLASIA; Chondroectodermal dysplasia. Identifiers: Orphanet 289, MedGen C0013903, MONDO:0009162, OMIM 225500.

Submission:

Myriad Genetics, Inc.
Classification: Likely pathogenic for Ellis-van Creveld syndrome. Last evaluated: 2022-02-25. Review status: criteria provided, single submitter. Criteria: Myriad Women's Health Autosomal Recessive and X-Linked Classification Criteria (2021). Collection method: clinical testing. Allele origin: unknown.
Comment: NM_153717.2(EVC):c.999_1000ins7(C334Nfs*52) is expected to be pathogenic in the context of EVC-related Ellis-van Creveld syndrome. This variant is predicted to lead to an abnormal or absent protein product due to the creation of a premature termination codon in EVC, a gene where loss-of-function variants are known to be pathogenic. Please note: this variant was assessed in the context of healthy population screening.